The following is an entry in ClinVar:

NM_058004.4(PI4KA):c.4412T>C (p.Met1471Thr)

Gene: PI4KA (phosphatidylinositol 4-kinase alpha; minus strand). Cytogenetic location: 22q11.21.
Variant type: single nucleotide variant.
Coding change: c.4412T>C on transcript NM_058004.4 (MANE Select); coding-DNA position 4412, T replaced by C.
Protein change: p.Met1471Thr; replaces methionine 1471 with threonine.
Molecular consequence: missense variant.
Genome position (GRCh38, 1-based): chr22:20,729,708, A>G on the plus strand (T>C on the coding strand, the complement: PI4KA is on the minus strand). VCF-style: chr22-20729708-A-G. GRCh37 (hg19) VCF-style: chr22-21083996-A-G.
Other names: c.4319T>C, p.Met1440Thr (NM_001362862.2); c.4346T>C, p.Met1449Thr (NM_001362863.2); short protein forms M1440T, M1449T, M1471T.
Identifiers: ClinVar variation 4756100 (VCV004756100.1).

ClinVar aggregate classification (germline): Uncertain significance (1 of 4 stars; one submission).

Submission:

GeneDx
Classification: Uncertain significance. Last evaluated: 2025-08-06. Review status: criteria provided, single submitter. Criteria: GeneDx Variant Classification Process June 2021. Collection method: clinical testing. Allele origin: germline. Affected: yes.
Comment: Not observed at significant frequency in large population cohorts (gnomAD); In silico analysis supports that this missense variant has a deleterious effect on protein structure/function; Has not been previously published as pathogenic or benign to our knowledge